The following is an entry in ClinVar:

ClinVar aggregate classification (germline): Pathogenic/Likely pathogenic. Review status: criteria provided, multiple submitters, no conflicts (2 of 4 stars). 9 submissions from 9 submitters: Pathogenic (6); Likely pathogenic (1). 2 of the submissions do not count toward it. Last evaluated 2025-03-24.

Conditions:
SLC7A9-related disorder. Also called: SLC7A9-related condition.
Cystinuria (CSNU). Also called: CYSTINURIA, TYPE I; CYSTINURIA, TYPE II; CYSTINURIA, TYPE III; Cystinuria, non-type I. Identifiers: Orphanet 214, MedGen C0010691, MONDO:0009067, OMIM 220100, HP:0003131.

Allele frequency attached by ClinVar (database versions not stated): ExAC 0.00009; gnomAD 0.00004; gnomAD exomes 0.00009 and 0.00022; TOPMed 0.00005.
gnomAD v4.1: 335 of 1,613,392 alleles (0.021%); highest among the groups gnomAD compares: Non-Finnish European, 0.026%; no homozygotes.

Submissions (9):

Labcorp Genetics (formerly Invitae), Labcorp
Classification: Pathogenic. Last evaluated: 2025-03-24. Review status: criteria provided, single submitter. Criteria: Invitae Variant Classification Sherloc (09022015). Collection method: clinical testing. Allele origin: germline.
Comment: This sequence change replaces arginine, which is basic and polar, with tryptophan, which is neutral and slightly polar, at codon 333 of the SLC7A9 protein (p.Arg333Trp). This variant is present in population databases (rs121908484, gnomAD 0.02%). This missense change has been observed in individuals with autosomal recessive cystinuria (PMID: 11157794, 16138908, 16225397, 25296721, 25964309, 28717662). ClinVar contains an entry for this variant (Variation ID: 5787). Invitae Evidence Modeling of protein sequence and biophysical properties (such as structural, functional, and spatial information, amino acid conservation, physicochemical variation, residue mobility, and thermodynamic stability) indicates that this missense variant is expected to disrupt SLC7A9 protein function with a positive predictive value of 80%. Experimental studies have shown that this missense change affects SLC7A9 function (PMID: 11157794). Algorithms developed to predict the effect of sequence changes on RNA splicing suggest that this variant may disrupt the consensus splice site. This variant disrupts the p.Arg333 amino acid residue in SLC7A9. Other variant(s) that disrupt this residue have been observed in individuals with SLC7A9-related conditions (PMID: 16609684, 28646536), which suggests that this may be a clinically significant amino acid residue. For these reasons, this variant has been classified as Pathogenic.

Blueprint Genetics
Classification: Pathogenic for SLC7A9-related disorders. Last evaluated: 2024-10-03. Review status: criteria provided, single submitter. Criteria: ACMG Guidelines, 2015. Collection method: clinical testing. Allele origin: germline. Affected: yes. Observed: 5 variant alleles.

Women's Health and Genetics/Laboratory Corporation of America, LabCorp
Classification: Pathogenic for Cystinuria. Last evaluated: 2024-07-30. Review status: criteria provided, single submitter. Criteria: LabCorp Variant Classification Summary - May 2015. Collection method: clinical testing. Allele origin: germline.
Comment: Variant summary: SLC7A9 c.997C>T (p.Arg333Trp) results in a non-conservative amino acid change in the encoded protein sequence. Five of five in-silico tools predict a damaging effect of the variant on protein function. The variant allele was found at a frequency of 8.8e-05 in 251352 control chromosomes. This frequency is not significantly higher than estimated for a pathogenic variant in SLC7A9 causing Cystinuria, allowing no conclusion about variant significance. c.997C>T has been reported in the literature in multiple individuals affected with Cystinuria (example, Font_2001). These data indicate that the variant is very likely to be associated with disease. At least one publication reports experimental evidence evaluating an impact on protein function. The most pronounced variant effect results in 10% of normal activity in Hela cells (Font_2001). The following publication has been ascertained in the context of this evaluation (PMID: 11157794). ClinVar contains an entry for this variant (Variation ID: 5787). Based on the evidence outlined above, the variant was classified as pathogenic.

Fulgent Genetics
Classification: Pathogenic for Cystinuria. Last evaluated: 2024-04-09. Review status: criteria provided, single submitter. Criteria: ACMG Guidelines, 2015. Collection method: clinical testing. Allele origin: germline.

Revvity Omics, Revvity
Classification: Pathogenic for Cystinuria. Last evaluated: 2021-06-17. Review status: criteria provided, single submitter. Criteria: ACMG Guidelines, 2015. Collection method: clinical testing. Allele origin: germline.

Molecular Biology Laboratory, Fundació Puigvert
Classification: Likely pathogenic for Cystinuria. Last evaluated: 2020-02-01. Review status: criteria provided, single submitter. Criteria: ACMG Guidelines, 2015. Collection method: research. Allele origin: inherited. Affected: yes. Study: KidneyPanel_2020.

Neuberg Centre For Genomic Medicine, NCGM
Classification: Pathogenic for Cystinuria. Review status: criteria provided, single submitter. Criteria: ACMG Guidelines, 2015. Collection method: clinical testing. Allele origin: germline. Inheritance: Autosomal recessive inheritance. Affected: yes.
Comment: The SLC7A9 c.997C>T (p.Arg333Trp) variant has been observed in several individuals affected with cystinuria (Halbritter J et al, Chatzikyriakidou A et al). Experimental studies have shown that this missense change abolishes SLC7A9 cysteine transport (Font MA et al). This variant is reported with the allele frequency (0.0085%) in the gnomAD and novel in 1000 genome database. It has been submitted to ClinVar as Likely Pathogenic. The amino acid Arg at position 333 is changed to a Trp changing protein sequence and it might alter its composition and physico-chemical properties. The amino acid change p.Arg333Trp in SLC7A9 is predicted as conserved by GERP++ and PhyloP across 100 vertebrates. For these reasons, this variant has been classified as Pathogenic.

PreventionGenetics, part of Exact Sciences
Classification: Pathogenic for SLC7A9-related condition. Last evaluated: 2024-06-03. Review status: no assertion criteria provided. Collection method: clinical testing. Allele origin: germline. Not counted in ClinVar's aggregate classification.
Comment: The SLC7A9 c.997C>T variant is predicted to result in the amino acid substitution p.Arg333Trp. This variant has been reported in the homozygous state in several individuals with cystinuria (ICC et al 2001. PubMed ID: 11157794; Chatzikyriakidou et al. 2005. PubMed ID: 16225397; Gaildrat et al. 2017. PubMed ID: 28717662) and the compound heterozygous state in additional individuals with cystinuria (Halbritter et al. 2014. PubMed ID: 25296721; Rhodes et al. 2015. PubMed ID: 25964309). In addition, heterozygous carriers of this variant often show a phenotype of increased urinary excretion of cysteine and dibasic amino acids, which can lead to nephrolithiasis in some individuals (OMIM #220100; ICC et al 2001. PubMed ID: 11157794). Functional studies indicate the the p.Arg333Trp variant reduces cystine transport to 10% of wild-type (ICC et al 2001. PubMed ID: 11157794). This variant is reported in 0.015% of alleles in individuals of European (Non-Finnish) descent in gnomAD. This variant is interpreted as pathogenic.

OMIM
Classification: Pathogenic for CYSTINURIA. Last evaluated: 2001-02-15. Review status: no assertion criteria provided. Collection method: literature only. Allele origin: germline. Not counted in ClinVar's aggregate classification.

Literature cited by the submitters: PubMed 11157794 (cited by 3 submitters); PubMed 16138908 (cited by Labcorp Genetics (formerly Invitae), Labcorp); PubMed 16225397 (cited by Labcorp Genetics (formerly Invitae), Labcorp); PubMed 25296721 (cited by Labcorp Genetics (formerly Invitae), Labcorp); PubMed 25964309 (cited by Labcorp Genetics (formerly Invitae), Labcorp); PubMed 28717662 (cited by Labcorp Genetics (formerly Invitae), Labcorp); PubMed 16609684 (cited by Labcorp Genetics (formerly Invitae), Labcorp); PubMed 28646536 (cited by Labcorp Genetics (formerly Invitae), Labcorp); PubMed 33532864 (cited by Molecular Biology Laboratory, Fundació Puigvert).

NM_014270.5(SLC7A9):c.997C>T (p.Arg333Trp)

Gene: SLC7A9 (solute carrier family 7 member 9; minus strand). Cytogenetic location: 19q13.11.
Variant type: single nucleotide variant.
Coding change: c.997C>T on transcript NM_014270.5 (MANE Select); coding-DNA position 997, C replaced by T.
Protein change: p.Arg333Trp; replaces arginine 333 with tryptophan.
Molecular consequence: missense variant.
Genome position (GRCh38, 1-based): chr19:32,843,932, G>A on the plus strand (C>T on the coding strand, the complement: SLC7A9 is on the minus strand). VCF-style: chr19-32843932-G-A. GRCh37 (hg19) VCF-style: chr19-33334838-G-A.
Other names: c.997C>T, p.Arg333Trp (NM_001126335.2, NM_001243036.2); short protein forms R333W.
Identifiers: ClinVar variation 5787 (VCV000005787.21), dbSNP rs121908484, ClinGen allele CA117729.